The following is an entry in ClinVar:

NM_014795.4(ZEB2):c.1921del (p.Ser641fs)

Gene: ZEB2 (zinc finger E-box binding homeobox 2; minus strand). Cytogenetic location: 2q22.3.
Variant type: Deletion.
Coding change: c.1921del on transcript NM_014795.4 (MANE Select); coding-DNA position 1921, one base deleted (T; older notation c.1921delT).
Protein change: p.Ser641fs; shifts the reading frame from serine 641.
Molecular consequence: frameshift variant.
Genome position (GRCh38, 1-based): chr2:144,399,266, A deleted on the plus strand (T on the coding strand, the reverse complement: ZEB2 is on the minus strand); the first of 3 consecutive A bases (chr2:144,399,266-144,399,268); deleting any one gives the same sequence. VCF-style (leftmost placement, unchanged base first): chr2-144399265-GA-G. GRCh37 (hg19) VCF-style: chr2-145156832-GA-G.
Other names: c.1919delT (NM_014795.3); c.1849del, p.Ser617fs (NM_001171653.2); short protein forms S617fs, S641fs.
Identifiers: ClinVar variation 181753 (VCV000181753.2), dbSNP rs730881209, ClinGen allele CA297630.

ClinVar aggregate classification (germline): Pathogenic (1 of 4 stars; one submission).

Submission:

GeneDx
Classification: Pathogenic. Last evaluated: 2013-06-18. Review status: criteria provided, single submitter. Criteria: GeneDx Variant Classification (06012015). Collection method: clinical testing. Allele origin: germline. Affected: yes.
Comment: The c.1919delT pathogenic variant in the ZEB2 gene causes a frameshift starting with codon Serine 641, changes this amino acid to a Leucine residue and creates a premature Stop codon at position 5 of the new reading frame, denoted p.Ser641LeufxX5. This variant is predicted to cause loss of normal protein function either through protein truncation or nonsense-mediated mRNA decay. Although this variant has not been previously reported to our knowledge, its presence is consistent with a diagnosis of Mowat-Wilson syndrome, an autosomal dominant syndrome.